The following is an entry in ClinVar:

ClinVar aggregate classification (germline): Uncertain significance (1 of 4 stars; one submission).

Submission:

Labcorp Genetics (formerly Invitae), Labcorp
Classification: Uncertain significance. Last evaluated: 2025-10-16. Review status: criteria provided, single submitter. Criteria: Invitae Variant Classification Sherloc (09022015). Collection method: clinical testing. Allele origin: germline.
Comment: This sequence change replaces aspartic acid, which is acidic and polar, with glutamic acid, which is acidic and polar, at codon 149 of the ZMIZ1 protein (p.Asp149Glu). This variant is not present in population databases (gnomAD no frequency). This variant has not been reported in the literature in individuals affected with ZMIZ1-related conditions. Invitae Evidence Modeling of protein sequence and biophysical properties (such as structural, functional, and spatial information, amino acid conservation, physicochemical variation, residue mobility, and thermodynamic stability) indicates that this missense variant is not expected to disrupt ZMIZ1 protein function with a negative predictive value of 95%. In summary, the available evidence is currently insufficient to determine the role of this variant in disease. Therefore, it has been classified as a Variant of Uncertain Significance.

NM_020338.4(ZMIZ1):c.447C>G (p.Asp149Glu)

Gene: ZMIZ1 (zinc finger MIZ-type containing 1; plus strand). Cytogenetic location: 10q22.3.
Variant type: single nucleotide variant.
Coding change: c.447C>G on transcript NM_020338.4 (MANE Select); coding-DNA position 447, C replaced by G.
Protein change: p.Asp149Glu; replaces aspartic acid 149 with glutamic acid.
Molecular consequence: missense variant.
Genome position (GRCh38, 1-based): chr10:79,289,796, C>G. VCF-style: chr10-79289796-C-G. GRCh37 (hg19) VCF-style: chr10-81049553-C-G.
Other names: short protein forms D149E.
Identifiers: ClinVar variation 4747530 (VCV004747530.1).